The following is an entry in ClinVar:

ClinVar aggregate classification (germline): Likely benign (0 of 4 stars; one submission).

Conditions:
FSIP2-related disorder. Also called: FSIP2-related condition.

Allele frequency attached by ClinVar (database versions not stated): gnomAD exomes 0.00661; TOPMed 0.01263; gnomAD 0.01309; ExAC 0.01367; 1000 Genomes Project 30x 0.02389; 1000 Genomes Project 0.02476.
gnomAD v4.1: 11,193 of 1,534,956 alleles (0.73%); highest among the groups gnomAD compares: East Asian, 7.1%; 337 homozygotes.

Submissions (2):

PreventionGenetics, part of Exact Sciences
Classification: Likely benign for FSIP2-related condition. Last evaluated: 2019-09-25. Review status: no assertion criteria provided. Collection method: clinical testing. Allele origin: germline.
Comment: This variant is classified as likely benign based on ACMG/AMP sequence variant interpretation guidelines (Richards et al. 2015 PMID: 25741868, with internal and published modifications).

Dr. Peter K. Rogan Lab, Western University
No classification provided (evidence only). Condition: Malignant tumor of esophagus. Review status: no classification provided. Collection method: in vitro. Allele origin: not applicable. Functional consequence: retained intron. Not counted in ClinVar's aggregate classification.

NM_173651.4(FSIP2):c.2455A>T (p.Ile819Phe)

Genes: FSIP2 (fibrous sheath interacting protein 2; plus strand), FSIP2-AS1 (FSIP2 antisense RNA 1; minus strand). Cytogenetic location: 2q32.1.
Variant type: single nucleotide variant.
Coding change: c.2455A>T on transcript NM_173651.4 (MANE Select); coding-DNA position 2455, A replaced by T.
Protein change: p.Ile819Phe; replaces isoleucine 819 with phenylalanine.
Molecular consequence: missense variant.
Genome position (GRCh38, 1-based): chr2:185,789,591, A>T. VCF-style: chr2-185789591-A-T. GRCh37 (hg19) VCF-style: chr2-186654318-A-T.
Other names: NC_000002.11:g.186654318A>T; short protein forms I819F.
Identifiers: ClinVar variation 3060798 (VCV003060798.3), dbSNP rs76914767, ClinGen allele CA2016578.